The following is an entry in ClinVar:

NM_001015877.2(PHF6):c.139-47G>A

Gene: PHF6 (PHD finger protein 6; plus strand). Cytogenetic location: Xq26.2.
Variant type: single nucleotide variant.
Coding change: c.139-47G>A on transcript NM_001015877.2 (MANE Select); 47 bases into the intron before coding-DNA position 139, G replaced by A.
Molecular consequence: intron variant.
Genome position (GRCh38, 1-based): chrX:134,377,958, G>A. VCF-style: chrX-134377958-G-A. GRCh37 (hg19) VCF-style: chrX-133511988-G-A.
Other names: c.139-47G>A (NM_032458.3, NM_032335.3).
Identifiers: ClinVar variation 670935 (VCV000670935.4), dbSNP rs5978001, ClinGen allele CA10521154.

ClinVar aggregate classification (germline): Benign. Review status: criteria provided, multiple submitters, no conflicts (2 of 4 stars). 3 submissions from 3 submitters: Benign (3). Last evaluated 2021-09-05.

Conditions:
Borjeson-Forssman-Lehmann syndrome (BFLS). Also called: BORJESON SYNDROME; MENTAL RETARDATION, X-LINKED, SYNDROMIC, BORJESON-FORSSMAN-LEHMANN TYPE; MENTAL RETARDATION, EPILEPSY, AND ENDOCRINE DISORDERS. Identifiers: Orphanet 127, MedGen C0265339, MONDO:0010537, OMIM 301900.

Allele frequency attached by ClinVar (database versions not stated): ESP Exome Variant Server 0.74532; gnomAD 0.75584; TOPMed 0.76726; gnomAD exomes 0.77726; ExAC 0.77831; 1000 Genomes Project 30x 0.80645; 1000 Genomes Project 0.81192.

Submissions (3):

Genome-Nilou Lab
Classification: Benign for Borjeson-Forssman-Lehmann syndrome. Last evaluated: 2021-09-05. Review status: criteria provided, single submitter. Criteria: ACMG Guidelines, 2015. Collection method: clinical testing. Allele origin: germline. Affected: no.

GeneDx
Classification: Benign. Last evaluated: 2018-06-19. Review status: criteria provided, single submitter. Criteria: GeneDx Variant Classification (06012015). Collection method: clinical testing. Allele origin: germline. Affected: yes.
Comment: This variant is considered likely benign or benign based on one or more of the following criteria: it is a conservative change, it occurs at a poorly conserved position in the protein, it is predicted to be benign by multiple in silico algorithms, and/or has population frequency not consistent with disease.

Breakthrough Genomics
Classification: Benign. Review status: criteria provided, single submitter. Criteria: ACMG Guidelines, 2015. Collection method: not provided. Allele origin: germline. Inheritance: X-linked inheritance. Affected: yes.